The following is an entry in ClinVar:

ClinVar aggregate classification (germline): Uncertain significance (0 of 4 stars; one submission).

Conditions:
ERBIN-related disorder. Also called: ERBIN-related condition.

Allele frequency attached by ClinVar (database versions not stated): TOPMed below 0.00001; gnomAD 0.00001.
gnomAD v4.1: 1 of 1,606,372 alleles (0.000062%); highest among the groups gnomAD compares: African/African-American, 0.0013%; no homozygotes.

Submission:

PreventionGenetics, part of Exact Sciences
Classification: Uncertain significance for ERBIN-related condition. Last evaluated: 2024-02-20. Review status: no assertion criteria provided. Collection method: clinical testing. Allele origin: germline.
Comment: The ERBIN c.1338C>G variant is predicted to result in the amino acid substitution p.Asn446Lys. To our knowledge, this variant has not been reported in the literature. This variant is reported in 0.011% of alleles in individuals of African descent in gnomAD. At this time, the clinical significance of this variant is uncertain due to the absence of conclusive functional and genetic evidence.

NM_001253697.2(ERBIN):c.1338C>G (p.Asn446Lys)

Gene: ERBIN (erbb2 interacting protein; plus strand). Cytogenetic location: 5q12.3.
Variant type: single nucleotide variant.
Coding change: c.1338C>G on transcript NM_001253697.2 (MANE Select); coding-DNA position 1338, C replaced by G.
Protein change: p.Asn446Lys; replaces asparagine 446 with lysine.
Molecular consequence: missense variant.
Genome position (GRCh38, 1-based): chr5:66,043,108, C>G. VCF-style: chr5-66043108-C-G. GRCh37 (hg19) VCF-style: chr5-65338936-C-G.
Other names: c.1338C>G, p.Asn446Lys (NM_001006600.3, NM_001253698.2, NM_001253699.2 and 2 more transcripts); short protein forms N446K.
Identifiers: ClinVar variation 3061187 (VCV003061187.2), dbSNP rs1375642317, ClinGen allele CA359976242.